The following is an entry in ClinVar:

ClinVar aggregate classification (germline): Uncertain significance. Review status: criteria provided, multiple submitters, no conflicts (2 of 4 stars). 2 submissions from 2 submitters: Uncertain significance (2). Last evaluated 2025-07-06.

Conditions:
Intellectual developmental disorder, X-linked 1. Also called: Atkin Flaitz Patil Smith syndrome; Intellectual disability, X-linked 1; MENTAL RETARDATION, X-LINKED 18; MENTAL RETARDATION, X-LINKED 78. Identifiers: Orphanet 777, MedGen C2931498, MONDO:0010656, OMIM 309530.

Allele frequency attached by ClinVar (database versions not stated): gnomAD exomes below 0.00001.

Submissions (2):

Labcorp Genetics (formerly Invitae), Labcorp
Classification: Uncertain significance for Intellectual developmental disorder, X-linked 1. Last evaluated: 2025-07-06. Review status: criteria provided, single submitter. Criteria: Invitae Variant Classification Sherloc (09022015). Collection method: clinical testing. Allele origin: germline.
Comment: This sequence change replaces glutamic acid, which is acidic and polar, with lysine, which is basic and polar, at codon 477 of the IQSEC2 protein (p.Glu477Lys). This variant is not present in population databases (gnomAD no frequency). This variant has not been reported in the literature in individuals affected with IQSEC2-related conditions. ClinVar contains an entry for this variant (Variation ID: 1393191). Invitae Evidence Modeling of protein sequence and biophysical properties (such as structural, functional, and spatial information, amino acid conservation, physicochemical variation, residue mobility, and thermodynamic stability) indicates that this missense variant is not expected to disrupt IQSEC2 protein function with a negative predictive value of 95%. In summary, the available evidence is currently insufficient to determine the role of this variant in disease. Therefore, it has been classified as a Variant of Uncertain Significance.

GeneDx
Classification: Uncertain significance. Last evaluated: 2022-01-18. Review status: criteria provided, single submitter. Criteria: GeneDx Variant Classification Process June 2021. Collection method: clinical testing. Allele origin: germline. Affected: yes.
Comment: Not observed at significant frequency in large population cohorts (gnomAD); In silico analysis supports that this missense variant has a deleterious effect on protein structure/function; Has not been previously published as pathogenic or benign to our knowledge

NM_001111125.3(IQSEC2):c.1429G>A (p.Glu477Lys)

Gene: IQSEC2 (IQ motif and Sec7 domain ArfGEF 2; minus strand). Cytogenetic location: Xp11.22.
Variant type: single nucleotide variant.
Coding change: c.1429G>A on transcript NM_001111125.3 (MANE Select); coding-DNA position 1429, G replaced by A.
Protein change: p.Glu477Lys; replaces glutamic acid 477 with lysine.
Molecular consequence: missense variant.
Genome position (GRCh38, 1-based): chrX:53,251,147, C>T on the plus strand (G>A on the coding strand, the complement: IQSEC2 is on the minus strand). VCF-style: chrX-53251147-C-T. GRCh37 (hg19) VCF-style: chrX-53280329-C-T.
Other names: c.814G>A, p.Glu272Lys (NM_015075.2); short protein forms E477K, E272K.
Identifiers: ClinVar variation 1393191 (VCV001393191.7), dbSNP rs2147104281, ClinGen allele CA413166750.